The following is an entry in ClinVar:

ClinVar aggregate classification (germline): Conflicting classifications of pathogenicity. Review status: criteria provided, conflicting classifications (1 of 4 stars). 2 submissions from 2 submitters: Uncertain significance (1); Likely benign (1). Last evaluated 2025-08-20.

Conditions:
Usher syndrome type 1F (USH1F). Also called: USHER SYNDROME, TYPE IF. Identifiers: Orphanet 231169, Orphanet 886, MedGen C1865885, MONDO:0011186, OMIM 602083.

Submissions (2):

Myriad Genetics, Inc.
Classification: Uncertain significance for Usher syndrome type 1F. Last evaluated: 2025-08-20. Review status: criteria provided, single submitter. Criteria: Myriad Autosomal Dominant, Autosomal Recessive and X-Linked Classification Criteria (2023). Collection method: clinical testing. Allele origin: unknown.
Comment: NM_033056.3(PCDH15):c.5267_5293del27(P1756_P1764del) is an in-frame deletion classified as a variant of uncertain significance in the context of PCDH15-related disorders. P1756_P1764del has not been observed in cases with relevant disease. Relevant functional assessments of this variant are not available in the literature. P1756_P1764del has not been observed in referenced population frequency databases. In summary, there is insufficient evidence to classify NM_033056.3(PCDH15):c.5267_5293del27(P1756_P1764del) as pathogenic or benign. Please note: this variant was assessed in the context of healthy population screening.

Labcorp Genetics (formerly Invitae), Labcorp
Classification: Likely benign. Last evaluated: 2024-09-17. Review status: criteria provided, single submitter. Criteria: Invitae Variant Classification Sherloc (09022015). Collection method: clinical testing. Allele origin: germline.

NM_033056.4(PCDH15):c.5267_5293del (p.Pro1756_Pro1764del)

Gene: PCDH15 (protocadherin related 15; minus strand). Cytogenetic location: 10q21.1.
Variant type: Deletion.
Coding change: c.5267_5293del on transcript NM_033056.4 (MANE Plus Clinical); coding-DNA positions 5267 to 5293, 27 bases deleted (CTTCTCCTCCTCCTGCTCCTGCTCCTC).
Protein change: p.Pro1756_Pro1764del.
Molecular consequence: inframe deletion. On other transcripts: intron variant (8).
Genome position (GRCh38, 1-based): chr10:53,822,433-53,822,459, GAGGAGCAGGAGCAGGAGGAGGAGAAG deleted on the plus strand (CTTCTCCTCCTCCTGCTCCTGCTCCTC on the coding strand, the reverse complement: PCDH15 is on the minus strand); deleting any 27 consecutive bases within chr10:53,822,433-53,822,465 gives the same sequence; the c. name uses the placement nearest the transcript's 3' end. VCF-style (leftmost placement, unchanged base first): chr10-53822432-AGAGGAGCAGGAGCAGGAGGAGGAGAAG-A. GRCh37 (hg19) VCF-style: chr10-55582192-AGAGGAGCAGGAGCAGGAGGAGGAGAAG-A.
Other names: c.5288_5314del, p.Pro1763_Pro1771del (NM_001142763.2); c.5273_5299del, p.Pro1758_Pro1766del (NM_001142764.2); c.5060_5086del, p.Pro1687_Pro1695del (NM_001142765.2); c.5258_5284del, p.Pro1753_Pro1761del (NM_001142766.2); c.5147_5173del, p.Pro1716_Pro1724del (NM_001142767.2); c.5207_5233del, p.Pro1736_Pro1744del (NM_001142768.2); c.5198_5224del, p.Pro1733_Pro1741del (NM_001142773.2); c.5201_5227del, p.Pro1734_Pro1742del (NM_001354404.2); and 7 more.
Identifiers: ClinVar variation 3669611 (VCV003669611.3).
Genomic context (GRCh38, chr10:53,822,432, plus strand): 5'-GAAGGAGGAGAGGGAGGAGGACAAAAAAGAGAAAAAGGAGAAATGTCAGGAGGAGGAGCA[AGAGGAGCAGGAGCAGGAGGAGGAGAAG>A]GAGGAGAAATAGGAGGAGGAGGGGGAAGGGGACAGGCAGAAGGAGAGATGTTTGGTGGAT-3'